The following is an entry in ClinVar:

ClinVar aggregate classification (germline): Uncertain significance (1 of 4 stars; one submission).

Submission:

GeneDx
Classification: Uncertain significance. Last evaluated: 2025-07-15. Review status: criteria provided, single submitter. Criteria: GeneDx Variant Classification Process June 2021. Collection method: clinical testing. Allele origin: germline. Affected: yes.
Comment: Not observed at significant frequency in large population cohorts (gnomAD); In-frame deletion of 1 amino acid(s) in a non-repeat region; In silico analysis suggests that this variant does not alter protein structure/function; Has not been previously published as pathogenic or benign to our knowledge

NM_001005273.3(CHD3):c.309AAG[1] (p.Arg105del)

Gene: CHD3 (chromodomain helicase DNA binding protein 3; plus strand). Cytogenetic location: 17p13.1.
Variant type: Microsatellite.
Coding change: c.309AAG[1] on transcript NM_001005273.3 (MANE Select); one copy of the 3-base unit AAG starting at c.309; the reference has two copies in a row; one copy, 3 bases deleted.
Protein change: p.Arg105del; deletes arginine 105.
Molecular consequence: inframe deletion.
Genome position (GRCh38, 1-based): chr17:7,890,669-7,890,671, AAG deleted; deleting any 3 consecutive bases within chr17:7,890,665-7,890,671 gives the same sequence; the position shown is the placement nearest the transcript's 3' end. VCF-style (leftmost placement, unchanged base first): chr17-7890664-CGAA-C. GRCh37 (hg19) VCF-style: chr17-7793982-CGAA-C.
Other names: c.486AAG[1], p.Arg164del (NM_001005271.3, NM_001437504.1, NM_001437507.1 and 2 more transcripts); c.309AAG[1], p.Arg105del (NM_005852.4); short protein forms R105del, R164del.
Identifiers: ClinVar variation 4686279 (VCV004686279.1).